The following is an entry in ClinVar:

ClinVar aggregate classification (germline): Uncertain significance (1 of 4 stars; one submission).

Submission:

Labcorp Genetics (formerly Invitae), Labcorp
Classification: Uncertain significance. Last evaluated: 2025-12-10. Review status: criteria provided, single submitter. Criteria: Invitae Variant Classification Sherloc (09022015). Collection method: clinical testing. Allele origin: germline.
Comment: This sequence change replaces isoleucine, which is neutral and non-polar, with valine, which is neutral and non-polar, at codon 388 of the FCHO1 protein (p.Ile388Val). This variant is present in population databases (no rsID available, gnomAD 0.0009%). This variant has not been reported in the literature in individuals affected with FCHO1-related conditions. An algorithm developed to predict the effect of missense changes on protein structure and function outputs the following: PolyPhen-2: "Benign". The valine amino acid residue is found in multiple mammalian species, which suggests that this missense change does not adversely affect protein function. In summary, the available evidence is currently insufficient to determine the role of this variant in disease. Therefore, it has been classified as a Variant of Uncertain Significance.

NM_015122.3(FCHO1):c.1162A>G (p.Ile388Val)

Gene: FCHO1 (FCH and mu domain containing endocytic adaptor 1; plus strand). Cytogenetic location: 19p13.11.
Variant type: single nucleotide variant.
Coding change: c.1162A>G on transcript NM_015122.3 (MANE Select); coding-DNA position 1162, A replaced by G.
Protein change: p.Ile388Val; replaces isoleucine 388 with valine.
Molecular consequence: missense variant. On other transcripts: non-coding transcript variant (36).
Genome position (GRCh38, 1-based): chr19:17,776,141, A>G. VCF-style: chr19-17776141-A-G. GRCh37 (hg19) VCF-style: chr19-17886950-A-G.
Other names: c.1162A>G, p.Ile388Val (NM_001161357.2, NM_001161358.2, NM_001384370.1 and 25 more transcripts); c.1012A>G, p.Ile338Val (NM_001161359.2, NM_001384384.1, NM_001384385.1 and 3 more transcripts); c.1123A>G, p.Ile375Val (NM_001384388.1, NM_001384389.1, NM_001384405.1); c.1087A>G, p.Ile363Val (NM_001384390.1); c.1117A>G, p.Ile373Val (NM_001384403.1); short protein forms I375V, I338V, I373V, I388V, I363V.
Identifiers: ClinVar variation 4732893 (VCV004732893.1).